The following is an entry in ClinVar:

ClinVar aggregate classification (germline): Likely pathogenic (1 of 4 stars; one submission).

Conditions:
Microcephaly with or without chorioretinopathy, lymphedema, or impaired intellectual development. Also called: MICROCEPHALY AND CHORIORETINOPATHY WITH OR WITHOUT MENTAL RETARDATION, AUTOSOMAL DOMINANT; MICROCEPHALY, LYMPHEDEMA, CHORIORETINAL DYSPLASIA SYNDROME; Microcephaly with or without chorioretinopathy, lymphedema, or intellectual disability; Microcephaly with or without chorioretinopathy, lymphedema, or mental retardation; Microcephaly lymphedema chorioretinal dysplasia. Identifiers: Orphanet 2526, MedGen C1835265, MONDO:0007918, OMIM 152950.

Submission:

3billion
Classification: Likely pathogenic for Microcephaly with or without chorioretinopathy, lymphedema, or impaired intellectual development. Last evaluated: 2022-09-01. Review status: criteria provided, single submitter. Criteria: ACMG Guidelines, 2015. Collection method: clinical testing. Allele origin: germline. Affected: yes. Observed: 1 heterozygote.
Comment: The variant is not observed in the gnomAD v2.1.1 dataset. Frameshift variant is predicted to result in a loss or disruption of normal protein function through nonsense-mediated decay (NMD) or protein truncation. Multiple pathogenic variants are reported downstream of the variant. Therefore, this variant is classified as Likely pathogenic according to the recommendation of ACMG/AMP guideline.

NM_004523.4(KIF11):c.1513_1516del (p.Glu505fs)

Gene: KIF11 (kinesin family member 11; plus strand). Cytogenetic location: 10q23.33.
Variant type: Deletion.
Coding change: c.1513_1516del on transcript NM_004523.4 (MANE Select); coding-DNA positions 1513 to 1516, 4 bases deleted (GAAA; older notation c.1513_1516delGAAA).
Protein change: p.Glu505fs; shifts the reading frame from glutamic acid 505.
Molecular consequence: frameshift variant.
Genome position (GRCh38, 1-based): chr10:92,632,504-92,632,507, GAAA deleted; deleting any 4 consecutive bases within chr10:92,632,502-92,632,507 gives the same sequence; the c. name uses the placement nearest the transcript's 3' end. VCF-style (leftmost placement, unchanged base first): chr10-92632501-GAAGA-G. GRCh37 (hg19) VCF-style: chr10-94392258-GAAGA-G.
Other names: short protein forms E505fs.
Identifiers: ClinVar variation 1705702 (VCV001705702.1), dbSNP rs2492519143, ClinGen allele CA2580082311.